The following is an entry in ClinVar:

NM_020632.3(ATP6V0A4):c.1572G>A (p.Pro524=)

Gene: ATP6V0A4 (ATPase H+ transporting V0 subunit a4; minus strand). Cytogenetic location: 7q34.
Variant type: single nucleotide variant.
Coding change: c.1572G>A on transcript NM_020632.3 (MANE Select); coding-DNA position 1572, G replaced by A.
Protein change: p.Pro524=; no amino-acid change (proline 524 retained).
Molecular consequence: synonymous variant.
Genome position (GRCh38, 1-based): chr7:138,739,540, C>T on the plus strand (G>A on the coding strand, the complement: ATP6V0A4 is on the minus strand). VCF-style: chr7-138739540-C-T. GRCh37 (hg19) VCF-style: chr7-138424285-C-T.
Other names: c.1572G>A, p.Pro524= (NM_130840.3, NM_130841.3).
Identifiers: ClinVar variation 450987 (VCV000450987.7), dbSNP rs773840097, ClinGen allele CA4504731.
Genomic context (GRCh38, chr7:138,739,540, plus strand): 5'-CCAGAGGTCTCCTCAAGATAGTTCACATAAGAAATATTTAACCCAAGAAGACATTATTAC[C>T]GGATCAATCCCAAACGGGTATGGATTTCCAAAATACACTCCTGGTATGGCTGGGTCCAGC-3'
Protein context (NP_065683.2, residues 514-534): FGNPYPFGID[Pro524=]IWNLASNKLT

ClinVar aggregate classification (germline): Pathogenic. Review status: criteria provided, multiple submitters, no conflicts (2 of 4 stars). 2 submissions from 2 submitters: Pathogenic (2). Last evaluated 2024-06-19.

Conditions:
Renal tubular acidosis, distal, 3, with or without sensorineural hearing loss (DRTA3). Identifiers: MedGen C5399980, MONDO:0011268, OMIM 602722.

Allele frequency attached by ClinVar (database versions not stated): ExAC 0.00001; gnomAD 0.00001; gnomAD exomes 0.00001 and 0.00002; TOPMed 0.00001.
gnomAD v4.1: 22 of 1,613,970 alleles (0.0014%); highest among the groups gnomAD compares: African/African-American, 0.0027%; no homozygotes.

Submissions (2):

Fulgent Genetics
Classification: Pathogenic for Renal tubular acidosis, distal, 3, with or without sensorineural hearing loss. Last evaluated: 2024-06-19. Review status: criteria provided, single submitter. Criteria: ACMG Guidelines, 2015. Collection method: clinical testing. Allele origin: germline.

GeneDx
Classification: Pathogenic. Last evaluated: 2021-11-30. Review status: criteria provided, single submitter. Criteria: GeneDx Variant Classification Process June 2021. Collection method: clinical testing. Allele origin: germline. Affected: yes.
Comment: Published functional studies demonstrate this variant results in aberrant splicing leading to skipping of exon 15 (Zhang et al., 2021); Not observed at significant frequency in large population cohorts (Lek et al., 2016); This variant is associated with the following publications: (PMID: 29460158, 31130284, 34157794, 28233610)